The following is an entry in ClinVar:

ClinVar aggregate classification (germline): Likely pathogenic (1 of 4 stars; one submission).

gnomAD v4.1: 1 of 1,594,450 alleles (0.000063%); highest among the groups gnomAD compares: Non-Finnish European, 0.000085%; no homozygotes.

Submission:

Labcorp Genetics (formerly Invitae), Labcorp
Classification: Likely pathogenic. Last evaluated: 2025-08-20. Review status: criteria provided, single submitter. Criteria: Invitae Variant Classification Sherloc (09022015). Collection method: clinical testing. Allele origin: germline.
Comment: This sequence change affects a donor splice site in intron 11 of the CDC14A gene. It is expected to disrupt RNA splicing. Variants that disrupt the donor or acceptor splice site typically lead to a loss of protein function (PMID: 16199547), and loss-of-function variants in CDC14A are known to be pathogenic (PMID: 27259055). This variant is not present in population databases (gnomAD no frequency). This variant has not been reported in the literature in individuals affected with CDC14A-related conditions. Algorithms developed to predict the effect of sequence changes on RNA splicing suggest that this variant may disrupt the consensus splice site. In summary, the currently available evidence indicates that the variant is pathogenic, but additional data are needed to prove that conclusively. Therefore, this variant has been classified as Likely Pathogenic.

Literature cited by the submitters: PubMed 16199547; PubMed 27259055.

NM_003672.4(CDC14A):c.1137+1G>A

Gene: CDC14A (cell division cycle 14A; plus strand). Cytogenetic location: 1p21.2.
Variant type: single nucleotide variant.
Coding change: c.1137+1G>A on transcript NM_003672.4 (MANE Select); the canonical splice donor site of the intron after coding-DNA position 1137, G replaced by A.
Molecular consequence: splice donor variant. On other transcripts: missense variant (1).
Genome position (GRCh38, 1-based): chr1:100,484,452, G>A. VCF-style: chr1-100484452-G-A. GRCh37 (hg19) VCF-style: chr1-100950008-G-A.
Other names: c.1138G>A, p.Val380Ile (NM_033313.3); c.963+1G>A (NM_001319211.2); c.1137+1G>A (NM_001319210.2, NM_033312.3); c.258+1G>A (NM_001319212.2); short protein forms V380I.
Identifiers: ClinVar variation 4749640 (VCV004749640.1).